The following is an entry in ClinVar:

ClinVar aggregate classification (germline): Uncertain significance (1 of 4 stars; one submission).

Allele frequency attached by ClinVar (database versions not stated): TOPMed below 0.00001.

Submission:

Labcorp Genetics (formerly Invitae), Labcorp
Classification: Uncertain significance. Last evaluated: 2025-10-26. Review status: criteria provided, single submitter. Criteria: Invitae Variant Classification Sherloc (09022015). Collection method: clinical testing. Allele origin: germline.
Comment: This sequence change replaces arginine, which is basic and polar, with threonine, which is neutral and polar, at codon 185 of the RFX6 protein (p.Arg185Thr). This variant is not present in population databases (gnomAD no frequency). This variant has not been reported in the literature in individuals affected with RFX6-related conditions. ClinVar contains an entry for this variant (Variation ID: 1387710). Invitae Evidence Modeling of protein sequence and biophysical properties (such as structural, functional, and spatial information, amino acid conservation, physicochemical variation, residue mobility, and thermodynamic stability) indicates that this missense variant is expected to disrupt RFX6 protein function with a positive predictive value of 80%. In summary, the available evidence is currently insufficient to determine the role of this variant in disease. Therefore, it has been classified as a Variant of Uncertain Significance.

NM_173560.4(RFX6):c.554G>C (p.Arg185Thr)

Gene: RFX6 (regulatory factor X6; plus strand). Cytogenetic location: 6q22.1.
Variant type: single nucleotide variant.
Coding change: c.554G>C on transcript NM_173560.4 (MANE Select); coding-DNA position 554, G replaced by C.
Protein change: p.Arg185Thr; replaces arginine 185 with threonine.
Molecular consequence: missense variant.
Genome position (GRCh38, 1-based): chr6:116,882,416, G>C. VCF-style: chr6-116882416-G-C. GRCh37 (hg19) VCF-style: chr6-117203579-G-C.
Other names: short protein forms R185T.
Identifiers: ClinVar variation 1387710 (VCV001387710.6), dbSNP rs1774608731, ClinGen allele CA365428100.